The following is an entry in ClinVar:

NM_032383.5(HPS3):c.931A>G (p.Lys311Glu)

Gene: HPS3 (HPS3 biogenesis of lysosomal organelles complex 2 subunit 1; plus strand). Cytogenetic location: 3q24.
Variant type: single nucleotide variant.
Coding change: c.931A>G on transcript NM_032383.5 (MANE Select); coding-DNA position 931, A replaced by G.
Protein change: p.Lys311Glu; replaces lysine 311 with glutamic acid.
Molecular consequence: missense variant.
Genome position (GRCh38, 1-based): chr3:149,141,341, A>G. VCF-style: chr3-149141341-A-G. GRCh37 (hg19) VCF-style: chr3-148859128-A-G.
Other names: c.436A>G, p.Lys146Glu (NM_001308258.2); short protein forms K146E, K311E.
Identifiers: ClinVar variation 2179285 (VCV002179285.1), dbSNP rs371430031, ClinGen allele CA2659942.

ClinVar aggregate classification (germline): Uncertain significance (1 of 4 stars; one submission).

Allele frequency attached by ClinVar (database versions not stated): ExAC 0.00001; gnomAD 0.00001; TOPMed 0.00003; ESP Exome Variant Server 0.00008.
gnomAD v4.1: 2 of 1,613,742 alleles (0.00012%); highest among the groups gnomAD compares: Admixed American, 0.0017%; no homozygotes.

Submission:

Labcorp Genetics (formerly Invitae), Labcorp
Classification: Uncertain significance. Last evaluated: 2022-02-28. Review status: criteria provided, single submitter. Criteria: Invitae Variant Classification Sherloc (09022015). Collection method: clinical testing. Allele origin: germline.
Comment: This sequence change replaces lysine, which is basic and polar, with glutamic acid, which is acidic and polar, at codon 311 of the HPS3 protein (p.Lys311Glu). The frequency data for this variant in the population databases is considered unreliable, as metrics indicate poor data quality at this position in the gnomAD database. This variant has not been reported in the literature in individuals affected with HPS3-related conditions. Algorithms developed to predict the effect of missense changes on protein structure and function (SIFT, PolyPhen-2, Align-GVGD) all suggest that this variant is likely to be tolerated. In summary, the available evidence is currently insufficient to determine the role of this variant in disease. Therefore, it has been classified as a Variant of Uncertain Significance.